The following is an entry in ClinVar:

NM_005548.3(KARS1):c.1753A>G (p.Thr585Ala)

Gene: KARS1 (lysyl-tRNA synthetase 1; minus strand). Cytogenetic location: 16q23.1.
Variant type: single nucleotide variant.
Coding change: c.1753A>G on transcript NM_005548.3 (MANE Select); coding-DNA position 1753, A replaced by G.
Protein change: p.Thr585Ala; replaces threonine 585 with alanine.
Molecular consequence: missense variant.
Genome position (GRCh38, 1-based): chr16:75,627,936, T>C on the plus strand (A>G on the coding strand, the complement: KARS1 is on the minus strand). VCF-style: chr16-75627936-T-C. GRCh37 (hg19) VCF-style: chr16-75661834-T-C.
Other names: c.1837A>G, p.Thr613Ala (NM_001130089.2); c.1285A>G, p.Thr429Ala (NM_001378148.1); short protein forms T429A, T585A, T613A.
Identifiers: ClinVar variation 1682407 (VCV001682407.8), dbSNP rs2151799742, ClinGen allele CA396809128.

ClinVar aggregate classification (germline): Uncertain significance (1 of 4 stars; one submission).

Submission:

Labcorp Genetics (formerly Invitae), Labcorp
Classification: Uncertain significance. Last evaluated: 2024-12-16. Review status: criteria provided, single submitter. Criteria: Invitae Variant Classification Sherloc (09022015). Collection method: clinical testing. Allele origin: germline.
Comment: This sequence change replaces threonine, which is neutral and polar, with alanine, which is neutral and non-polar, at codon 613 of the KARS protein (p.Thr613Ala). This variant is not present in population databases (gnomAD no frequency). This variant has not been reported in the literature in individuals affected with KARS-related conditions. ClinVar contains an entry for this variant (Variation ID: 1682407). An algorithm developed to predict the effect of missense changes on protein structure and function outputs the following: PolyPhen-2: "Benign". The alanine amino acid residue is found in multiple mammalian species, which suggests that this missense change does not adversely affect protein function. In summary, the available evidence is currently insufficient to determine the role of this variant in disease. Therefore, it has been classified as a Variant of Uncertain Significance.